The following is an entry in ClinVar:

ClinVar aggregate classification (germline): Conflicting classifications of pathogenicity. Review status: criteria provided, conflicting classifications (1 of 4 stars). 2 submissions from 2 submitters: Pathogenic (1); Uncertain significance (1). Last evaluated 2025-11-10.

Conditions:
Hereditary cancer-predisposing syndrome. Also called: Hereditary Cancer Syndrome; Hereditary neoplastic syndrome; Neoplastic Syndromes, Hereditary; Tumor predisposition. Identifiers: Orphanet 140162, MedGen C0027672, MeSH D009386, MONDO:0015356.
Familial adenomatous polyposis 2. Also called: MUTYH-associated polyposis; MUTYH-related attenuated familial adenomatous polyposis; FAP type 2; Adenomas, multiple colorectal; MYH-associated polyposis; MUTYH Polyposis. Identifiers: Orphanet 220460, Orphanet 247798, MedGen C3272841, MONDO:0012041, OMIM 608456.

Submissions (2):

Labcorp Genetics (formerly Invitae), Labcorp
Classification: Pathogenic for Familial adenomatous polyposis 2. Last evaluated: 2025-11-10. Review status: criteria provided, single submitter. Criteria: Invitae Variant Classification Sherloc (09022015). Collection method: clinical testing. Allele origin: germline.
Comment: This sequence change affects an acceptor splice site in intron 5 of the MUTYH gene. RNA analysis indicates that disruption of this splice site induces altered splicing and likely results in the loss of 1 amino acid residue(s), but is expected to preserve the integrity of the reading-frame. This variant is not present in population databases (gnomAD no frequency). Disruption of this splice site has been observed in individuals with MUTYH-associated polyposis (internal data). ClinVar contains an entry for this variant (Variation ID: 1742049). Studies have shown that disruption of this splice site results in the activation of a cryptic splice site in exon 6 (internal data). For these reasons, this variant has been classified as Pathogenic.

Ambry Genetics
Classification: Uncertain significance for Hereditary cancer-predisposing syndrome. Last evaluated: 2025-02-07. Review status: criteria provided, single submitter. Criteria: Ambry Variant Classification Scheme 2023. Collection method: clinical testing. Allele origin: germline.
Comment: The c.463-2A>G intronic variant results from an A to G substitution two nucleotides upstream from coding exon 6 in the MUTYH gene. Alterations that disrupt the canonical splice site are expected to result in aberrant splicing. In silico splice site analysis predicts that this alteration will weaken the native splice acceptor site and will result in the creation or strengthening of a novel splice acceptor site. The resulting transcript is predicted to be in-frame and is not expected to trigger nonsense-mediated mRNA decay. RNA studies have demonstrated that this alteration results in a transcript predicted to lead to a protein with an in-frame deletion of one amino acid; however, the exact functional impact of the deleted amino acid is unknown at this time (Ambry internal data). This nucleotide position is highly conserved in available vertebrate species. Since supporting evidence is limited at this time, the clinical significance of this alteration remains unclear.

NM_001048174.2(MUTYH):c.379-2A>G

Gene: MUTYH (mutY DNA glycosylase; minus strand). Cytogenetic location: 1p34.1.
Variant type: single nucleotide variant.
Coding change: c.379-2A>G on transcript NM_001048174.2 (MANE Select); the canonical splice acceptor site of the intron before coding-DNA position 379, A replaced by G.
Molecular consequence: splice acceptor variant. On other transcripts: intron variant (4).
Genome position (GRCh38, 1-based): chr1:45,332,961, T>C on the plus strand (A>G on the coding strand, the complement: MUTYH is on the minus strand). VCF-style: chr1-45332961-T-C. GRCh37 (hg19) VCF-style: chr1-45798633-T-C.
Other names: c.379-2A>G (NM_001407072.1, NM_001048171.2, NM_001407070.1 and 5 more transcripts); c.34-2A>G (NM_001350651.2, NM_001350650.2, NM_001407082.1); c.103-2A>G (NM_001293192.2, NM_001293196.2, NM_001407091.1); c.421-127A>G (NM_001407073.1); c.424-2A>G (NM_001293190.2); c.454-127A>G (NM_001407069.1); c.454-2A>G (NM_012222.3); c.463-2A>G (NM_001128425.2); and 7 more.
Identifiers: ClinVar variation 1742049 (VCV001742049.8), dbSNP rs2149161840, ClinGen allele CA340136046.
Genomic context (GRCh38, chr1:45,332,961, plus strand): 5'-CCTAGGGTGGCTCTCACCTCCAGGGAAGCACTGGCCAGGTCCTGCAGTGTAGGCCACTTC[T>C]ATAGCCACAGGCAGGCAGAAAGAGACAAGGTCAAGGGTGAAGGTGGTAGAGGAAGCCTTC-3'